The following is an entry in ClinVar:

NM_181523.3(PIK3R1):c.1676T>C (p.Ile559Thr)

Gene: PIK3R1 (phosphoinositide-3-kinase regulatory subunit 1; plus strand). Cytogenetic location: 5q13.1.
Variant type: single nucleotide variant.
Coding change: c.1676T>C on transcript NM_181523.3 (MANE Select); coding-DNA position 1676, T replaced by C.
Protein change: p.Ile559Thr; replaces isoleucine 559 with threonine.
Molecular consequence: missense variant.
Genome position (GRCh38, 1-based): chr5:68,295,255, T>C. VCF-style: chr5-68295255-T-C. GRCh37 (hg19) VCF-style: chr5-67591083-T-C.
Other names: c.587T>C, p.Ile196Thr (NM_001242466.2); c.866T>C, p.Ile289Thr (NM_181504.4); c.776T>C, p.Ile259Thr (NM_181524.2); short protein forms I259T, I289T, I196T, I559T.
Identifiers: ClinVar variation 2947547 (VCV002947547.3), dbSNP rs2112275891, ClinGen allele CA359883005.
Genomic context (GRCh38, chr5:68,295,255, plus strand): 5'-TTGACAGTAGAAGAAGATTGGAAGAAGACTTGAAGAAGCAGGCAGCTGAGTATCGAGAAA[T>C]TGACAAACGTATGAACAGCATTAAACCAGACCTTATCCAGCTGAGAAAGACGAGAGACCA-3'
Protein context (NP_852664.1, residues 549-569): LKKQAAEYRE[Ile559Thr]DKRMNSIKPD

ClinVar aggregate classification (germline): Uncertain significance (1 of 4 stars; one submission).

Conditions:
SHORT syndrome. Also called: LIPODYSTROPHY, PARTIAL, WITH RIEGER ANOMALY AND SHORT STATURE; PIK3R1-Related SHORT Syndrome; SHORT STATURE, HYPEREXTENSIBILITY, HERNIA, OCULAR DEPRESSION, RIEGER ANOMALY, AND TEETHING DELAY. Identifiers: Orphanet 3163, MedGen C0878684, MONDO:0010026, OMIM 269880.
Agammaglobulinemia 7, autosomal recessive (AGM7). Also called: AGAMMAGLOBULINEMIA, AUTOSOMAL RECESSIVE, DUE TO PIK3R1 DEFECT. Identifiers: MedGen C3554689, MONDO:0014083, OMIM 615214.
Immunodeficiency 36 with lymphoproliferation. Also called: Immunodeficiency 36; ACTIVATED PI3K-DELTA SYNDROME 2; Activated PI3K Delta Syndrome Type 2 (APDS2). Identifiers: Orphanet 397596, Orphanet 693681, MedGen C4014934, MONDO:0014453, OMIM 616005.

Allele frequency attached by ClinVar (database versions not stated): gnomAD exomes below 0.00001.
gnomAD v4.1: 2 of 1,614,096 alleles (0.00012%); highest among the groups gnomAD compares: Non-Finnish European, 0.00017%; no homozygotes.

Submission:

Labcorp Genetics (formerly Invitae), Labcorp
Classification: Uncertain significance for SHORT syndrome; Immunodeficiency 36 with lymphoproliferation; Agammaglobulinemia 7, autosomal recessive. Last evaluated: 2023-05-07. Review status: criteria provided, single submitter. Criteria: Invitae Variant Classification Sherloc (09022015). Collection method: clinical testing. Allele origin: germline.
Comment: In summary, the available evidence is currently insufficient to determine the role of this variant in disease. Therefore, it has been classified as a Variant of Uncertain Significance. Advanced modeling of protein sequence and biophysical properties (such as structural, functional, and spatial information, amino acid conservation, physicochemical variation, residue mobility, and thermodynamic stability) performed at Invitae indicates that this missense variant is not expected to disrupt PIK3R1 protein function. This variant has not been reported in the literature in individuals affected with PIK3R1-related conditions. This variant is not present in population databases (gnomAD no frequency). This sequence change replaces isoleucine, which is neutral and non-polar, with threonine, which is neutral and polar, at codon 559 of the PIK3R1 protein (p.Ile559Thr).